The following is an entry in ClinVar:

NM_013448.3(BAZ1A):c.4474+5_4474+8del

Gene: BAZ1A (bromodomain adjacent to zinc finger domain 1A; minus strand). Cytogenetic location: 14q13.1.
Variant type: Microsatellite.
Coding change: c.4474+5_4474+8del on transcript NM_013448.3 (MANE Select); bases 5 to 8 of the intron after coding-DNA position 4474, 4 bases deleted (GTAA; older notation c.4474+5_4474+8delGTAA).
Molecular consequence: splice donor variant.
Genome position (GRCh38, 1-based): chr14:34,754,819-34,754,822, TTAC deleted on the plus strand (GTAA on the coding strand, the reverse complement: BAZ1A is on the minus strand); deleting any 4 consecutive bases within chr14:34,754,819-34,754,826 gives the same sequence; the c. name uses the placement nearest the transcript's 3' end. VCF-style (leftmost placement, unchanged base first): chr14-34754818-ATTAC-A. GRCh37 (hg19) VCF-style: chr14-35224024-ATTAC-A.
Other names: c.4378+5_4378+8del (NM_182648.2).
Identifiers: ClinVar variation 4992338 (VCV004992338.1).

ClinVar aggregate classification (germline): Uncertain significance (1 of 4 stars; one submission).

Conditions:
BAZ1A-related disorder. Also called: BAZ1A-related condition.

Submission:

PreventionGenetics, part of Exact Sciences
Classification: Uncertain significance for BAZ1A-related condition. Last evaluated: 2025-09-16. Review status: criteria provided, single submitter. Criteria: ACMG Guidelines, 2015. Collection method: clinical testing. Allele origin: germline.
Comment: The BAZ1A c.4474+5_4474+8delGTAA variant is predicted to result in an intronic deletion. This variant is predicted to alter splicing based on available splicing prediction programs (SpliceAI, Jaganathan et al. 2019. PubMed ID: 30661751). This variant has been reported as a de novo finding in an individual with a developmental disorder (McRae et al. 2017. PubMed ID: 28135719). However, this variant is also documented in 3 heterozygous individuals in the v4.1.0 version of the gnomAD database, calling its clinical significance into question. At this time, the clinical significance of this variant is uncertain due to the absence of conclusive functional and genetic evidence.